The following is an entry in ClinVar:

ClinVar aggregate classification (germline): Benign (1 of 4 stars; one submission).

Conditions:
Colorectal cancer, susceptibility to, 1. Also called: COLORECTAL ADENOMA AND CANCER, SUSCEPTIBILITY TO; COLORECTAL CANCER, SUSCEPTIBILITY TO, ON CHROMOSOME 9. Identifiers: MedGen C1837315, MONDO:0012132, OMIM 608812.

Submission:

Myriad Genetics, Inc.
Classification: Benign for Colorectal cancer, susceptibility to, 1. Last evaluated: 2026-04-28. Review status: criteria provided, single submitter. Criteria: Myriad Autosomal Dominant, Autosomal Recessive and X-Linked Classification Criteria (2023). Collection method: clinical testing. Allele origin: unknown.
Comment: This variant is considered benign. This variant occurs in the non-coding 3' untranslated region of the gene, and is not expected to impact protein function.

NM_024642.5(GALNT12):c.*6C>T

Gene: GALNT12 (polypeptide N-acetylgalactosaminyltransferase 12; plus strand). Cytogenetic location: 9q22.33.
Variant type: single nucleotide variant.
Coding change: c.*6C>T on transcript NM_024642.5 (MANE Select); 6 bases downstream of the stop codon, C replaced by T.
Molecular consequence: 3 prime UTR variant.
Genome position (GRCh38, 1-based): chr9:98,849,098, C>T. VCF-style: chr9-98849098-C-T. GRCh37 (hg19) VCF-style: chr9-101611380-C-T.
Identifiers: ClinVar variation 4876118 (VCV004876118.1).